The following is an entry in ClinVar:

ClinVar aggregate classification (germline): Uncertain significance. Review status: criteria provided, multiple submitters, no conflicts (2 of 4 stars). 2 submissions from 2 submitters: Uncertain significance (2). Last evaluated 2021-12-28.

Conditions:
Hereditary cancer-predisposing syndrome. Also called: Neoplastic Syndromes, Hereditary; Tumor predisposition; Hereditary neoplastic syndrome; Hereditary Cancer Syndrome. Identifiers: Orphanet 140162, MedGen C0027672, MeSH D009386, MONDO:0015356.

Allele frequency attached by ClinVar (database versions not stated): gnomAD exomes below 0.00001; TOPMed below 0.00001; gnomAD 0.00003.
gnomAD v4.1: 1 of 1,613,998 alleles (0.000062%); highest among the groups gnomAD compares: Non-Finnish European, 0.000085%; no homozygotes.

Submissions (2):

Ambry Genetics
Classification: Uncertain significance for Hereditary cancer-predisposing syndrome. Last evaluated: 2021-12-28. Review status: criteria provided, single submitter. Criteria: Ambry Variant Classification Scheme 2023. Collection method: clinical testing. Allele origin: germline.
Comment: The p.G2400D variant (also known as c.7199G>A), located in coding exon 13 of the BRCA2 gene, results from a G to A substitution at nucleotide position 7199. The glycine at codon 2400 is replaced by aspartic acid, an amino acid with similar properties. This amino acid position is not well conserved in available vertebrate species. In addition, this alteration is predicted to be tolerated by in silico analysis. Since supporting evidence is limited at this time, the clinical significance of this alteration remains unclear.

Color Diagnostics, LLC DBA Color Health
Classification: Uncertain significance for Hereditary cancer-predisposing syndrome. Last evaluated: 2019-06-08. Review status: criteria provided, single submitter. Criteria: ACMG Guidelines, 2015. Collection method: clinical testing. Allele origin: germline.

NM_000059.4(BRCA2):c.7199G>A (p.Gly2400Asp)

Gene: BRCA2 (BRCA2 DNA repair associated; plus strand). Cytogenetic location: 13q13.1.
Variant type: single nucleotide variant.
Coding change: c.7199G>A on transcript NM_000059.4 (MANE Select); coding-DNA position 7199, G replaced by A.
Protein change: p.Gly2400Asp; replaces glycine 2400 with aspartic acid.
Molecular consequence: missense variant.
Genome position (GRCh38, 1-based): chr13:32,355,052, G>A. VCF-style: chr13-32355052-G-A. GRCh37 (hg19) VCF-style: chr13-32929189-G-A.
Other names: short protein forms G2400D.
Identifiers: ClinVar variation 629865 (VCV000629865.5), dbSNP rs964130792, ClinGen allele CA247468512.
Genomic context (GRCh38, chr13:32,355,052, plus strand): 5'-ATCCATTTTATCAAGTTTCTGCTACAAGAAATGAAAAAATGAGACACTTGATTACTACAG[G>A]CAGACCAACCAAAGTCTTTGTTCCACCTTTTAAAACTAAATCACATTTTCACAGAGTTGA-3'
Protein context (NP_000050.3, residues 2390-2410): NEKMRHLITT[Gly2400Asp]RPTKVFVPPF